The following is an entry in ClinVar:

NM_001111125.3(IQSEC2):c.4465T>A (p.Ter1489Arg)

Gene: IQSEC2 (IQ motif and Sec7 domain ArfGEF 2; minus strand). Cytogenetic location: Xp11.22.
Variant type: single nucleotide variant.
Coding change: c.4465T>A on transcript NM_001111125.3 (MANE Select); coding-DNA position 4465, T replaced by A.
Protein change: p.Ter1489Arg.
Molecular consequence: stop lost. On other transcripts: 3 prime UTR variant (1).
Genome position (GRCh38, 1-based): chrX:53,234,221, A>T on the plus strand (T>A on the coding strand, the complement: IQSEC2 is on the minus strand). VCF-style: chrX-53234221-A-T. GRCh37 (hg19) VCF-style: chrX-53263403-A-T.
Other names: c.*950T>A (NM_015075.2).
Identifiers: ClinVar variation 1310781 (VCV001310781.3), dbSNP rs2146999591, ClinGen allele CA413138015.
Genomic context (GRCh38, chrX:53,234,221, plus strand): 5'-GGTCCCTCTCCTGTGGCTCCCCAGACTTTCCTGTTCCCCAGCTCACTCTCTCCATTCATC[A>T]GACCACGGTGCTGATCCGGCTTGGCTTGGCCTTGGGGTTTGCACTGGGGGGGTTGGCTGT-3'

ClinVar aggregate classification (germline): Likely pathogenic (1 of 4 stars; one submission).

Submission:

GeneDx
Classification: Likely pathogenic. Last evaluated: 2023-12-29. Review status: criteria provided, single submitter. Criteria: GeneDx Variant Classification Process June 2021. Collection method: clinical testing. Allele origin: germline. Affected: yes.
Comment: Not observed at significant frequency in large population cohorts (gnomAD); Stop codon loss and change to an arginine codon, leading to protein extension and the addition of 1 amino acids at the C-terminus; Has not been previously published as pathogenic or benign to our knowledge